The following is an entry in ClinVar:

NM_004744.5(LRAT):c.525T>A (p.Ser175Arg)

Gene: LRAT (lecithin retinol acyltransferase; plus strand). Cytogenetic location: 4q32.1.
Variant type: single nucleotide variant.
Coding change: c.525T>A on transcript NM_004744.5 (MANE Select); coding-DNA position 525, T replaced by A.
Protein change: p.Ser175Arg; replaces serine 175 with arginine.
Molecular consequence: missense variant.
Genome position (GRCh38, 1-based): chr4:154,744,851, T>A. VCF-style: chr4-154744851-T-A. GRCh37 (hg19) VCF-style: chr4-155666003-T-A.
Other names: c.525T>A, p.Ser175Arg (NM_001301645.2); short protein forms S175R.
Identifiers: ClinVar variation 5334 (VCV000005334.5), dbSNP rs104893848, ClinGen allele CA117411.
Genomic context (GRCh38, chr4:154,744,851, plus strand): 5'-CCTGCTGTGGAACAACTGCGAGCACTTCGTGACCTACTGCAGATATGGCACCCCGATCAG[T>A]CCCCAGTCCGACAAGGTATGATGTGTGACTCCCAGGGGAAGTGGGCTCCGCGGAGATGCC-3'
Protein context (NP_004735.2, residues 165-185): VTYCRYGTPI[Ser175Arg]PQSDKFCETV

ClinVar aggregate classification (germline): Pathogenic. Review status: criteria provided, single submitter (1 of 4 stars). 3 submissions from 3 submitters: Pathogenic (1). 2 of the submissions do not count toward it. Last evaluated 2024-02-19.

Conditions:
RETINAL DYSTROPHY, EARLY-ONSET SEVERE, LRAT-RELATED. Identifiers: MedGen C2750064, OMIM 613341.

gnomAD v4.1: 2 of 1,613,272 alleles (0.00012%); highest among the groups gnomAD compares: Non-Finnish European, 0.000085%; no homozygotes.

Submissions (3):

Labcorp Genetics (formerly Invitae), Labcorp
Classification: Pathogenic. Last evaluated: 2024-02-19. Review status: criteria provided, single submitter. Criteria: Invitae Variant Classification Sherloc (09022015). Collection method: clinical testing. Allele origin: germline.
Comment: This sequence change replaces serine, which is neutral and polar, with arginine, which is basic and polar, at codon 175 of the LRAT protein (p.Ser175Arg). This variant is not present in population databases (gnomAD no frequency). This missense change has been observed in individuals with retinitis pigmentosa (PMID: 11381255, 22570351, 26656277). ClinVar contains an entry for this variant (Variation ID: 5334). An algorithm developed to predict the effect of missense changes on protein structure and function (PolyPhen-2) suggests that this variant is likely to be disruptive. Experimental studies have shown that this missense change affects LRAT function (PMID: 11381255). For these reasons, this variant has been classified as Pathogenic.

OMIM
Classification: Pathogenic for RETINAL DYSTROPHY, EARLY-ONSET SEVERE, LRAT-RELATED. Last evaluated: 2001-06-01. Review status: no assertion criteria provided. Collection method: literature only. Allele origin: germline. Not counted in ClinVar's aggregate classification.

Retina International
No classification provided. Review status: no classification provided. Collection method: not provided. Allele origin: not provided. Not counted in ClinVar's aggregate classification.

Literature cited by the submitters: PubMed 11381255 (cited by Labcorp Genetics (formerly Invitae), Labcorp and OMIM); PubMed 22570351 (cited by Labcorp Genetics (formerly Invitae), Labcorp); PubMed 26656277 (cited by Labcorp Genetics (formerly Invitae), Labcorp).